The following is an entry in ClinVar:

NM_001848.3(COL6A1):c.2483C>A (p.Ala828Asp)

Gene: COL6A1 (collagen type VI alpha 1 chain; plus strand). Cytogenetic location: 21q22.3.
Variant type: single nucleotide variant.
Coding change: c.2483C>A on transcript NM_001848.3 (MANE Select); coding-DNA position 2483, C replaced by A.
Protein change: p.Ala828Asp; replaces alanine 828 with aspartic acid.
Molecular consequence: missense variant.
Genome position (GRCh38, 1-based): chr21:46,003,409, C>A. VCF-style: chr21-46003409-C-A. GRCh37 (hg19) VCF-style: chr21-47423323-C-A.
Other names: short protein forms A828D.
Identifiers: ClinVar variation 2115390 (VCV002115390.4), dbSNP rs2526353832, ClinGen allele CA410539009.
Genomic context (GRCh38, chr21:46,003,409, plus strand): 5'-CACCAGGGCCTCATGCTAACGGCTGCCCACCCCGCCCCGCAGTCACGTTCTCCTCCCCGG[C>A]TGACATCACCATCCTGCTGGACGGCTCCGCCAGCGTGGGCAGCCACAACTTTGACACCAC-3'
Protein context (NP_001839.2, residues 818-838): YTCPITFSSP[Ala828Asp]DITILLDGSA

ClinVar aggregate classification (germline): Uncertain significance (1 of 4 stars; one submission).

Conditions:
Bethlem myopathy 1A. Also called: MYOPATHY, BENIGN CONGENITAL, WITH CONTRACTURES; Bethlem myopathy 1; Bethlem Muscular Dystrophy. Identifiers: Orphanet 610, MedGen CN029274, MONDO:0024530, OMIM 158810.

Submission:

Labcorp Genetics (formerly Invitae), Labcorp
Classification: Uncertain significance for Bethlem myopathy 1A. Last evaluated: 2023-12-06. Review status: criteria provided, single submitter. Criteria: Invitae Variant Classification Sherloc (09022015). Collection method: clinical testing. Allele origin: germline.
Comment: This sequence change replaces alanine, which is neutral and non-polar, with aspartic acid, which is acidic and polar, at codon 828 of the COL6A1 protein (p.Ala828Asp). This variant is not present in population databases (gnomAD no frequency). This variant has not been reported in the literature in individuals affected with COL6A1-related conditions. ClinVar contains an entry for this variant (Variation ID: 2115390). Advanced modeling of protein sequence and biophysical properties (such as structural, functional, and spatial information, amino acid conservation, physicochemical variation, residue mobility, and thermodynamic stability) performed at Invitae indicates that this missense variant is not expected to disrupt COL6A1 protein function with a negative predictive value of 95%. In summary, the available evidence is currently insufficient to determine the role of this variant in disease. Therefore, it has been classified as a Variant of Uncertain Significance.